The following is an entry in ClinVar:

ClinVar aggregate classification (germline): Uncertain significance (1 of 4 stars; one submission).

Allele frequency attached by ClinVar (database versions not stated): gnomAD exomes below 0.00001.
gnomAD v4.1: 1 of 1,210,992 alleles (0.000083%); highest among the groups gnomAD compares: Non-Finnish European, 0.00011%; no homozygotes.

Submission:

Labcorp Genetics (formerly Invitae), Labcorp
Classification: Uncertain significance. Last evaluated: 2024-01-03. Review status: criteria provided, single submitter. Criteria: Invitae Variant Classification Sherloc (09022015). Collection method: clinical testing. Allele origin: germline.
Comment: This sequence change replaces lysine, which is basic and polar, with threonine, which is neutral and polar, at codon 333 of the DRP2 protein (p.Lys333Thr). This variant is not present in population databases (gnomAD no frequency). This missense change has been observed in individual(s) with clinical features of Charcot-Marie-Tooth disease (Invitae). Advanced modeling of protein sequence and biophysical properties (such as structural, functional, and spatial information, amino acid conservation, physicochemical variation, residue mobility, and thermodynamic stability) performed at Invitae indicates that this missense variant is not expected to disrupt DRP2 protein function with a negative predictive value of 80%. In summary, the available evidence is currently insufficient to determine the role of this variant in disease. Therefore, it has been classified as a Variant of Uncertain Significance.

NM_001939.3(DRP2):c.998A>C (p.Lys333Thr)

Gene: DRP2 (dystrophin related protein 2; plus strand). Cytogenetic location: Xq22.1.
Variant type: single nucleotide variant.
Coding change: c.998A>C on transcript NM_001939.3 (MANE Select); coding-DNA position 998, A replaced by C.
Protein change: p.Lys333Thr; replaces lysine 333 with threonine.
Molecular consequence: missense variant.
Genome position (GRCh38, 1-based): chrX:101,242,926, A>C. VCF-style: chrX-101242926-A-C. GRCh37 (hg19) VCF-style: chrX-100497915-A-C.
Other names: c.764A>C, p.Lys255Thr (NM_001171184.2); short protein forms K255T, K333T.
Identifiers: ClinVar variation 2781588 (VCV002781588.3), dbSNP rs2523071996, ClinGen allele CA413919885.